The following is an entry in ClinVar:

ClinVar aggregate classification (germline): Conflicting classifications of pathogenicity. Review status: criteria provided, conflicting classifications (1 of 4 stars). 3 submissions from 3 submitters: Uncertain significance (1); Likely benign (2). Last evaluated 2023-04-11.

Conditions:
Inborn genetic diseases. Identifiers: MedGen C0950123, MeSH D030342.
KBG syndrome (KBGS). Also called: ANKRD11-Related KBG Syndrome. Identifiers: Orphanet 2332, MedGen C0220687, MONDO:0007846, OMIM 148050.

Allele frequency attached by ClinVar (database versions not stated): TOPMed 0.00002; gnomAD 0.00003.
gnomAD v4.1: 47 of 1,589,484 alleles (0.003%); highest among the groups gnomAD compares: Non-Finnish European, 0.0039%; no homozygotes.

Submissions (3):

Labcorp Genetics (formerly Invitae), Labcorp
Classification: Uncertain significance for KBG syndrome. Last evaluated: 2023-04-11. Review status: criteria provided, single submitter. Criteria: Invitae Variant Classification Sherloc (09022015). Collection method: clinical testing. Allele origin: germline.
Comment: This variant has not been reported in the literature in individuals affected with ANKRD11-related conditions. The frequency data for this variant in the population databases is considered unreliable, as metrics indicate poor data quality at this position in the gnomAD database. This sequence change replaces alanine, which is neutral and non-polar, with threonine, which is neutral and polar, at codon 2030 of the ANKRD11 protein (p.Ala2030Thr). ClinVar contains an entry for this variant (Variation ID: 2217179). In summary, the available evidence is currently insufficient to determine the role of this variant in disease. Therefore, it has been classified as a Variant of Uncertain Significance. Advanced modeling of protein sequence and biophysical properties (such as structural, functional, and spatial information, amino acid conservation, physicochemical variation, residue mobility, and thermodynamic stability) performed at Invitae indicates that this missense variant is not expected to disrupt ANKRD11 protein function.

Ambry Genetics
Classification: Likely benign for Inborn genetic diseases. Last evaluated: 2022-09-06. Review status: criteria provided, single submitter. Criteria: Ambry Variant Classification Scheme 2023. Collection method: clinical testing. Allele origin: germline.

GeneDx
Classification: Likely benign. Last evaluated: 2021-01-26. Review status: criteria provided, single submitter. Criteria: GeneDx Variant Classification Process June 2021. Collection method: clinical testing. Allele origin: germline. Affected: yes.
Comment: See Variant Classification Assertion Criteria.

NM_013275.6(ANKRD11):c.6088G>A (p.Ala2030Thr)

Gene: ANKRD11 (ankyrin repeat domain 11; minus strand). Cytogenetic location: 16q24.3.
Variant type: single nucleotide variant.
Coding change: c.6088G>A on transcript NM_013275.6 (MANE Select); coding-DNA position 6088, G replaced by A.
Protein change: p.Ala2030Thr; replaces alanine 2030 with threonine.
Molecular consequence: missense variant.
Genome position (GRCh38, 1-based): chr16:89,280,454, C>T on the plus strand (G>A on the coding strand, the complement: ANKRD11 is on the minus strand). VCF-style: chr16-89280454-C-T. GRCh37 (hg19) VCF-style: chr16-89346862-C-T.
Other names: c.6088G>A, p.Ala2030Thr (NM_001256182.2, NM_001256183.2); c.6088G>A (NM_013275.5); short protein forms A2030T.
Identifiers: ClinVar variation 2217179 (VCV002217179.6), dbSNP rs747661700, ClinGen allele CA8241595.